The following is an entry in ClinVar:

NM_005529.7(HSPG2):c.4311C>G (p.Ile1437Met)

Gene: HSPG2 (heparan sulfate proteoglycan 2; minus strand). Cytogenetic location: 1p36.12.
Variant type: single nucleotide variant.
Coding change: c.4311C>G on transcript NM_005529.7 (MANE Select); coding-DNA position 4311, C replaced by G.
Protein change: p.Ile1437Met; replaces isoleucine 1437 with methionine.
Molecular consequence: missense variant.
Genome position (GRCh38, 1-based): chr1:21,865,720, G>C on the plus strand (C>G on the coding strand, the complement: HSPG2 is on the minus strand). VCF-style: chr1-21865720-G-C. GRCh37 (hg19) VCF-style: chr1-22192213-G-C.
Other names: c.4314C>G, p.Ile1438Met (NM_001291860.2); short protein forms I1437M, I1438M.
Identifiers: ClinVar variation 1943491 (VCV001943491.5), dbSNP rs199922248, ClinGen allele CA338956276.

ClinVar aggregate classification (germline): Uncertain significance (1 of 4 stars; one submission).

Submission:

Labcorp Genetics (formerly Invitae), Labcorp
Classification: Uncertain significance. Last evaluated: 2021-12-07. Review status: criteria provided, single submitter. Criteria: Invitae Variant Classification Sherloc (09022015). Collection method: clinical testing. Allele origin: germline.
Comment: This sequence change replaces isoleucine, which is neutral and non-polar, with methionine, which is neutral and non-polar, at codon 1437 of the HSPG2 protein (p.Ile1437Met). This variant is not present in population databases (gnomAD no frequency). This variant has not been reported in the literature in individuals affected with HSPG2-related conditions. Algorithms developed to predict the effect of missense changes on protein structure and function are either unavailable or do not agree on the potential impact of this missense change (SIFT: "Deleterious"; PolyPhen-2: "Probably Damaging"; Align-GVGD: "Class C0"). In summary, the available evidence is currently insufficient to determine the role of this variant in disease. Therefore, it has been classified as a Variant of Uncertain Significance.